The following is an entry in ClinVar:

ClinVar aggregate classification (germline): Uncertain significance (1 of 4 stars; one submission).

Submission:

Labcorp Genetics (formerly Invitae), Labcorp
Classification: Uncertain significance. Last evaluated: 2023-12-01. Review status: criteria provided, single submitter. Criteria: Invitae Variant Classification Sherloc (09022015). Collection method: clinical testing. Allele origin: germline.
Comment: This sequence change replaces asparagine, which is neutral and polar, with lysine, which is basic and polar, at codon 704 of the COL11A2 protein (p.Asn704Lys). This variant is not present in population databases (gnomAD no frequency). This variant has not been reported in the literature in individuals affected with COL11A2-related conditions. Advanced modeling of protein sequence and biophysical properties (such as structural, functional, and spatial information, amino acid conservation, physicochemical variation, residue mobility, and thermodynamic stability) performed at Invitae indicates that this missense variant is not expected to disrupt COL11A2 protein function with a negative predictive value of 95%. In summary, the available evidence is currently insufficient to determine the role of this variant in disease. Therefore, it has been classified as a Variant of Uncertain Significance.

NM_080680.3(COL11A2):c.2112C>A (p.Asn704Lys)

Gene: COL11A2 (collagen type XI alpha 2 chain; minus strand). Cytogenetic location: 6p21.32.
Variant type: single nucleotide variant.
Coding change: c.2112C>A on transcript NM_080680.3 (MANE Select); coding-DNA position 2112, C replaced by A.
Protein change: p.Asn704Lys; replaces asparagine 704 with lysine.
Molecular consequence: missense variant.
Genome position (GRCh38, 1-based): chr6:33,176,724, G>T on the plus strand (C>A on the coding strand, the complement: COL11A2 is on the minus strand). VCF-style: chr6-33176724-G-T. GRCh37 (hg19) VCF-style: chr6-33144501-G-T.
Other names: c.1932C>A, p.Asn644Lys (NM_001424108.1); c.1266C>A, p.Asn422Lys (NM_001424109.1); c.1086C>A, p.Asn362Lys (NM_001424110.1, NM_001424111.1); c.66C>A, p.Asn22Lys (NM_001424112.1); c.1791C>A, p.Asn597Lys (NM_080679.3); c.1854C>A, p.Asn618Lys (NM_080681.3); short protein forms N22K, N704K, N362K, N597K, N422K, N618K, N644K.
Identifiers: ClinVar variation 2700101 (VCV002700101.3), dbSNP rs1306404108, ClinGen allele CA363650631.